The following is an entry in ClinVar:

ClinVar aggregate classification (germline): Likely benign (1 of 4 stars; one submission).

Conditions:
MRAP2-related disorder. Also called: MRAP2-related condition.

gnomAD v4.1: 13 of 1,614,204 alleles (0.00081%); highest among the groups gnomAD compares: South Asian, 0.0044%; no homozygotes.

Submission:

PreventionGenetics, part of Exact Sciences
Classification: Likely benign for MRAP2-related condition. Last evaluated: 2025-12-30. Review status: criteria provided, single submitter. Criteria: ACMG Guidelines, 2015. Collection method: clinical testing. Allele origin: germline.
Comment: This variant is classified as likely benign based on ACMG/AMP sequence variant interpretation guidelines (Richards et al. 2015 PMID: 25741868, with internal and published modifications).

NM_138409.4(MRAP2):c.417C>T (p.Asp139=)

Gene: MRAP2 (melanocortin 2 receptor accessory protein 2; plus strand). Cytogenetic location: 6q14.2.
Variant type: single nucleotide variant.
Coding change: c.417C>T on transcript NM_138409.4 (MANE Select); coding-DNA position 417, C replaced by T.
Protein change: p.Asp139=; no amino-acid change (aspartic acid 139 retained).
Molecular consequence: synonymous variant.
Genome position (GRCh38, 1-based): chr6:84,089,280, C>T. VCF-style: chr6-84089280-C-T. GRCh37 (hg19) VCF-style: chr6-84798999-C-T.
Other names: c.159C>T, p.Asp53= (NM_001346541.2); c.417C>T, p.Asp139= (NM_001346542.2, NM_001346544.2); c.252C>T, p.Asp84= (NM_001346543.2).
Identifiers: ClinVar variation 4977683 (VCV004977683.1).
Genomic context (GRCh38, chr6:84,089,280, plus strand): 5'-CATCAATGAGGTGGAACGCTTGGACAGAGCCAAAGCTTGTCACCAGACCACAGCCCTTGA[C>T]AGTGACGTCCAACTCCAGGAAGCCATCAGAAGCAGTGGGCAGCCAGAGGAGGAGCTGAAC-3'
Protein context (NP_612418.2, residues 129-149): AKACHQTTAL[Asp139=]SDVQLQEAIR